The following is an entry in ClinVar:

ClinVar aggregate classification (germline): Uncertain significance (1 of 4 stars; one submission).

Conditions:
Hermansky-Pudlak syndrome 2 (HPS2). Also called: Platelet defects and oculocutaneous albinism. Identifiers: Orphanet 183678, Orphanet 79430, MedGen C1842362, MONDO:0011997, OMIM 608233.

Submission:

Labcorp Genetics (formerly Invitae), Labcorp
Classification: Uncertain significance for Hermansky-Pudlak syndrome 2. Last evaluated: 2022-03-24. Review status: criteria provided, single submitter. Criteria: Invitae Variant Classification Sherloc (09022015). Collection method: clinical testing. Allele origin: germline.
Comment: In summary, the available evidence is currently insufficient to determine the role of this variant in disease. Therefore, it has been classified as a Variant of Uncertain Significance. Algorithms developed to predict the effect of sequence changes on RNA splicing suggest that this variant may create or strengthen a splice site. Algorithms developed to predict the effect of missense changes on protein structure and function output the following: SIFT: "Tolerated"; PolyPhen-2: "Benign"; Align-GVGD: "Class C0". The valine amino acid residue is found in multiple mammalian species, which suggests that this missense change does not adversely affect protein function. This variant has not been reported in the literature in individuals affected with AP3B1-related conditions. This variant is not present in population databases (gnomAD no frequency). This sequence change replaces alanine, which is neutral and non-polar, with valine, which is neutral and non-polar, at codon 663 of the AP3B1 protein (p.Ala663Val).

NM_003664.5(AP3B1):c.1988C>T (p.Ala663Val)

Gene: AP3B1 (adaptor related protein complex 3 subunit beta 1; minus strand). Cytogenetic location: 5q14.1.
Variant type: single nucleotide variant.
Coding change: c.1988C>T on transcript NM_003664.5 (MANE Select); coding-DNA position 1988, C replaced by T.
Protein change: p.Ala663Val; replaces alanine 663 with valine.
Molecular consequence: missense variant.
Genome position (GRCh38, 1-based): chr5:78,116,215, G>A on the plus strand (C>T on the coding strand, the complement: AP3B1 is on the minus strand). VCF-style: chr5-78116215-G-A. GRCh37 (hg19) VCF-style: chr5-77412039-G-A.
Other names: c.1841C>T, p.Ala614Val (NM_001271769.2); short protein forms A614V, A663V.
Identifiers: ClinVar variation 1447450 (VCV001447450.6), dbSNP rs2112265534, ClinGen allele CA360185389.
Genomic context (GRCh38, chr5:78,116,215, plus strand): 5'-TCCTCTTCCTCAGATTCAGAATAAAACTTCTTAGCAGAATTCTCTTGCTTTGCTTTTCCT[G>A]CTGGGGTCCATTCTTTTGCCTGTTTAAACAAATAAAGTAAATATAAATGAATTCTCATTC-3'
Protein context (NP_003655.3, residues 653-673): VIELAKEWTP[Ala663Val]GKAKQENSAK